The following is an entry in ClinVar:

ClinVar aggregate classification (germline): Uncertain significance (1 of 4 stars; one submission).

Conditions:
Hearing loss, autosomal recessive 57. Also called: DEAFNESS, AUTOSOMAL RECESSIVE 57. Identifiers: MedGen C4693893, MONDO:0033201, OMIM 618003.
Usher syndrome, type IIC, GPR98/PDZD7 digenic. Also called: Usher syndrome, type 2C, GPR98/PDZD7 digenic. Identifiers: MedGen C3148929.

Allele frequency attached by ClinVar (database versions not stated): gnomAD exomes 0.00001 and 0.00002; TOPMed 0.00002; gnomAD 0.00003.

Submission:

Labcorp Genetics (formerly Invitae), Labcorp
Classification: Uncertain significance. Last evaluated: 2022-03-10. Review status: criteria provided, single submitter. Criteria: Invitae Variant Classification Sherloc (09022015). Collection method: clinical testing. Allele origin: germline.
Comment: ClinVar contains an entry for this variant (Variation ID: 1010618). In summary, the available evidence is currently insufficient to determine the role of this variant in disease. Therefore, it has been classified as a Variant of Uncertain Significance. Algorithms developed to predict the effect of missense changes on protein structure and function output the following: SIFT: "Deleterious"; PolyPhen-2: "Not Available"; Align-GVGD: "Class C0". The serine amino acid residue is found in multiple mammalian species, which suggests that this missense change does not adversely affect protein function. This variant has not been reported in the literature in individuals affected with PDZD7-related conditions. This variant is present in population databases (no rsID available, gnomAD 0.006%). This sequence change replaces proline, which is neutral and non-polar, with serine, which is neutral and polar, at codon 839 of the PDZD7 protein (p.Pro839Ser).

NM_001195263.2(PDZD7):c.2515C>T (p.Pro839Ser)

Gene: PDZD7 (PDZ domain containing 7; minus strand). Cytogenetic location: 10q24.31.
Variant type: single nucleotide variant.
Coding change: c.2515C>T on transcript NM_001195263.2 (MANE Select); coding-DNA position 2515, C replaced by T.
Protein change: p.Pro839Ser; replaces proline 839 with serine.
Molecular consequence: missense variant.
Genome position (GRCh38, 1-based): chr10:101,010,374, G>A on the plus strand (C>T on the coding strand, the complement: PDZD7 is on the minus strand). VCF-style: chr10-101010374-G-A. GRCh37 (hg19) VCF-style: chr10-102770131-G-A.
Other names: short protein forms P839S.
Identifiers: ClinVar variation 1010618 (VCV001010618.9), dbSNP rs1027527004, ClinGen allele CA212978465.
Genomic context (GRCh38, chr10:101,010,374, plus strand): 5'-CGCCACTGGGGTTCTTCATGGCTGCCTCCTTGGCCGTCCCCTCAGTTCCACTCTCCGAGG[G>A]CCCTTGCTTGGCCCCCACCTTGGCTGCCTCCCCATCCAGAGGTCGTGGCAGAGGGGGTCT-3'
Protein context (NP_001182192.1, residues 829-849): EAAKVGAKQG[Pro839Ser]SESGTEGTAK